The following is an entry in ClinVar:

NM_004186.5(SEMA3F):c.1478T>A (p.Val493Asp)

Gene: SEMA3F (semaphorin 3F; plus strand). Cytogenetic location: 3p21.31.
Variant type: single nucleotide variant.
Coding change: c.1478T>A on transcript NM_004186.5 (MANE Select); coding-DNA position 1478, T replaced by A.
Protein change: p.Val493Asp; replaces valine 493 with aspartic acid.
Molecular consequence: missense variant.
Genome position (GRCh38, 1-based): chr3:50,185,464, T>A. VCF-style: chr3-50185464-T-A. GRCh37 (hg19) VCF-style: chr3-50222897-T-A.
Other names: c.1181T>A, p.Val394Asp (NM_001318798.2); c.1385T>A, p.Val462Asp (NM_001318800.2); short protein forms V394D, V462D, V493D.
Identifiers: ClinVar variation 5001916 (VCV005001916.1).

ClinVar aggregate classification (germline): Uncertain significance (1 of 4 stars; one submission).

Conditions:
SEMA3F-related disorder. Also called: SEMA3F-related condition.

Submission:

PreventionGenetics, part of Exact Sciences
Classification: Uncertain significance for SEMA3F-related condition. Last evaluated: 2024-11-15. Review status: criteria provided, single submitter. Criteria: ACMG Guidelines, 2015. Collection method: clinical testing. Allele origin: germline.
Comment: The SEMA3F c.1478T>A variant is predicted to result in the amino acid substitution p.Val493Asp. To our knowledge, this variant has not been reported in the literature or in a large population database (gnomAD), indicating this variant is rare. At this time, the clinical significance of this variant is uncertain due to the absence of conclusive functional and genetic evidence.